The following is an entry in ClinVar:

ClinVar aggregate classification (germline): Uncertain significance (1 of 4 stars; one submission).

Allele frequency attached by ClinVar (database versions not stated): gnomAD exomes below 0.00001; ExAC 0.00002; TOPMed below 0.00001.
gnomAD v4.1: 2 of 1,613,826 alleles (0.00012%); highest among the groups gnomAD compares: African/African-American, 0.0027%; no homozygotes.

Submission:

Labcorp Genetics (formerly Invitae), Labcorp
Classification: Uncertain significance. Last evaluated: 2021-08-30. Review status: criteria provided, single submitter. Criteria: Invitae Variant Classification Sherloc (09022015). Collection method: clinical testing. Allele origin: germline.
Comment: This sequence change replaces phenylalanine with leucine at codon 546 of the ERCC3 protein (p.Phe546Leu). The phenylalanine residue is highly conserved and there is a small physicochemical difference between phenylalanine and leucine. This variant is present in population databases (rs774624418, ExAC 0.02%). This variant has not been reported in the literature in individuals affected with ERCC3-related conditions. Algorithms developed to predict the effect of missense changes on protein structure and function are either unavailable or do not agree on the potential impact of this missense change (SIFT: "Deleterious"; PolyPhen-2: "Benign"; Align-GVGD: "Class C0"). In summary, the available evidence is currently insufficient to determine the role of this variant in disease. Therefore, it has been classified as a Variant of Uncertain Significance.

NM_000122.2(ERCC3):c.1636T>C (p.Phe546Leu)

Gene: ERCC3 (ERCC excision repair 3, TFIIH core complex helicase subunit; minus strand). Cytogenetic location: 2q14.3.
Variant type: single nucleotide variant.
Coding change: c.1636T>C on transcript NM_000122.2 (MANE Select); coding-DNA position 1636, T replaced by C.
Protein change: p.Phe546Leu; replaces phenylalanine 546 with leucine.
Molecular consequence: missense variant.
Genome position (GRCh38, 1-based): chr2:127,279,267, A>G on the plus strand (T>C on the coding strand, the complement: ERCC3 is on the minus strand). VCF-style: chr2-127279267-A-G. GRCh37 (hg19) VCF-style: chr2-128036843-A-G.
Other names: c.1444T>C, p.Phe482Leu (NM_001303416.2, NM_001303418.2); short protein forms F482L, F546L.
Identifiers: ClinVar variation 1431492 (VCV001431492.5), dbSNP rs774624418, ClinGen allele CA1858219.